The following is an entry in ClinVar:

ClinVar aggregate classification (germline): Uncertain significance (1 of 4 stars; one submission).

Conditions:
Familial thoracic aortic aneurysm and aortic dissection (TAAD). Also called: Thoracic aortic aneurysms and dissections. Identifiers: Orphanet 91387, MedGen C4707243, MONDO:0019625.

Submission:

All of Us Research Program, National Institutes of Health
Classification: Uncertain significance for Familial thoracic aortic aneurysm and aortic dissection. Last evaluated: 2023-10-02. Review status: criteria provided, single submitter. Criteria: ACMG Guidelines, 2015. Collection method: clinical testing. Allele origin: germline. Inheritance: Autosomal dominant inheritance. Observed: 1 variant allele, 1 heterozygote.
Comment: This variant causes an in-frame deletion of three amino acids at exon 34 of the MYH11 protein. To our knowledge, functional studies have not been reported for this variant. This variant has not been reported in individuals affected with MYH11-related disorders in the literature. This variant has not been identified in the general population by the Genome Aggregation Database (gnomAD). The available evidence is insufficient to determine the role of this variant in disease conclusively. Therefore, this variant is classified as a Variant of Uncertain Significance.

This study involves interpretation of variants in research participants for the purpose of population health screening. Participant phenotype was not available at the time of variant classification. Additional details can be found in publication PMID: 35346344, PMCID: PMC8962531

NM_002474.3(MYH11):c.4590_4598del (p.Glu1531_Ser1533del)

Genes: NDE1 (nudE neurodevelopment protein 1; plus strand), MYH11 (myosin heavy chain 11; minus strand). Cytogenetic location: 16p13.11.
Variant type: Deletion.
Coding change: c.4590_4598del on transcript NM_002474.3 (MANE Select); coding-DNA positions 4590 to 4598, 9 bases deleted (GGAGAAGTC; older notation c.4590_4598delGGAGAAGTC).
Protein change: p.Glu1531_Ser1533del.
Molecular consequence: inframe deletion. On other transcripts: intron variant (2).
Genome position (GRCh38, 1-based): chr16:15,721,032-15,721,040, GACTTCTCC deleted on the plus strand (GGAGAAGTC on the coding strand, the reverse complement: MYH11 is on the minus strand). VCF-style (leftmost placement, unchanged base first): chr16-15721031-GGACTTCTCC-G. GRCh37 (hg19) VCF-style: chr16-15814888-GGACTTCTCC-G.
Other names: c.4611_4619del, p.Glu1538_Ser1540del (NM_001040113.2, NM_001040114.2); c.4590_4598del, p.Glu1531_Ser1533del (NM_022844.3); c.948-3159_948-3151del (NM_001143979.2, NM_017668.3).
Identifiers: ClinVar variation 3069217 (VCV003069217.1), dbSNP rs2506121515, ClinGen allele CA2575922766.
Genomic context (GRCh38, chr16:15,721,031, plus strand): 5'-GTCCTCCAGCTCTTCCAGCTGCGTCTTCATCTCCTCCATCTGGGTCTCCAGGGCCCGCTT[GGACTTCTCC>G]AGCTCATGGACCTGCCGGCAGAGCGGGCAGCCCCATTCTATGAGGCTCAACTTCATGAAG-3'